The following is an entry in ClinVar:

ClinVar aggregate classification (germline): Likely benign (0 of 4 stars; one submission).

Conditions:
IL12RB1-related disorder. Also called: IL12RB1-related condition.

Allele frequency attached by ClinVar (database versions not stated): gnomAD exomes 0.00002; ExAC 0.00005; gnomAD 0.00005; TOPMed 0.00005.
gnomAD v4.1: 39 of 1,578,300 alleles (0.0025%); highest among the groups gnomAD compares: South Asian, 0.008%; no homozygotes.

Submission:

PreventionGenetics, part of Exact Sciences
Classification: Likely benign for IL12RB1-related condition. Last evaluated: 2019-07-02. Review status: no assertion criteria provided. Collection method: clinical testing. Allele origin: germline.
Comment: This variant is classified as likely benign based on ACMG/AMP sequence variant interpretation guidelines (Richards et al. 2015 PMID: 25741868, with internal and published modifications).

NM_005535.3(IL12RB1):c.-67C>T

Genes: IL12RB1 (interleukin 12 receptor subunit beta 1; minus strand), LOC130063972 (ATAC-STARR-seq lymphoblastoid active region 14295; plus strand). Cytogenetic location: 19p13.11.
Variant type: single nucleotide variant.
Coding change: c.-67C>T on transcript NM_005535.3 (MANE Select); 67 bases upstream of the start codon, C replaced by T.
Molecular consequence: 5 prime UTR variant. On other transcripts: synonymous variant (1).
Genome position (GRCh38, 1-based): chr19:18,086,890, G>A on the plus strand (C>T on the coding strand, the complement: IL12RB1 is on the minus strand). VCF-style: chr19-18086890-G-A. GRCh37 (hg19) VCF-style: chr19-18197700-G-A.
Other names: c.-67C>T (NM_001290023.2, NM_153701.3); c.54C>T, p.Asp18= (NM_001290024.2).
Identifiers: ClinVar variation 3042955 (VCV003042955.2), dbSNP rs749596574, ClinGen allele CA9305415.